The following is an entry in ClinVar:

NM_005529.7(HSPG2):c.12607G>A (p.Gly4203Arg)

Genes: HSPG2 (heparan sulfate proteoglycan 2; minus strand), LDLRAD2 (low density lipoprotein receptor class A domain containing 2; plus strand). Cytogenetic location: 1p36.12.
Variant type: single nucleotide variant.
Coding change: c.12607G>A on transcript NM_005529.7 (MANE Select); coding-DNA position 12607, G replaced by A.
Protein change: p.Gly4203Arg; replaces glycine 4203 with arginine.
Molecular consequence: missense variant. On other transcripts: 3 prime UTR variant (1).
Genome position (GRCh38, 1-based): chr1:21,824,762, C>T on the plus strand (G>A on the coding strand, the complement: HSPG2 is on the minus strand). VCF-style: chr1-21824762-C-T. GRCh37 (hg19) VCF-style: chr1-22151255-C-T.
Other names: c.12610G>A, p.Gly4204Arg (NM_001291860.2); c.*2547C>T (NM_001013693.3); short protein forms G4203R, G4204R.
Identifiers: ClinVar variation 447540 (VCV000447540.13), dbSNP rs199814977, ClinGen allele CA669355.

ClinVar aggregate classification (germline): Uncertain significance. Review status: criteria provided, multiple submitters, no conflicts (2 of 4 stars). 5 submissions from 5 submitters: Uncertain significance (5). Last evaluated 2025-02-03.

Conditions:
Inborn genetic diseases. Identifiers: MedGen C0950123, MeSH D030342.

Allele frequency attached by ClinVar (database versions not stated): gnomAD exomes 0.00004 and 0.00011; ExAC 0.00015; gnomAD 0.00036 and 0.00041; TOPMed 0.00045; ESP Exome Variant Server 0.00046.
gnomAD v4.1: 122 of 1,612,988 alleles (0.0076%); highest among the groups gnomAD compares: African/African-American, 0.13%; no homozygotes.

Submissions (5):

Labcorp Genetics (formerly Invitae), Labcorp
Classification: Uncertain significance. Last evaluated: 2025-02-03. Review status: criteria provided, single submitter. Criteria: Invitae Variant Classification Sherloc (09022015). Collection method: clinical testing. Allele origin: germline.
Comment: This sequence change replaces glycine, which is neutral and non-polar, with arginine, which is basic and polar, at codon 4203 of the HSPG2 protein (p.Gly4203Arg). This variant is present in population databases (rs199814977, gnomAD 0.1%). This variant has not been reported in the literature in individuals affected with HSPG2-related conditions. ClinVar contains an entry for this variant (Variation ID: 447540). An algorithm developed to predict the effect of missense changes on protein structure and function (PolyPhen-2) suggests that this variant is likely to be disruptive. In summary, the available evidence is currently insufficient to determine the role of this variant in disease. Therefore, it has been classified as a Variant of Uncertain Significance.

GeneDx
Classification: Uncertain significance. Last evaluated: 2023-11-18. Review status: criteria provided, single submitter. Criteria: GeneDx Variant Classification Process June 2021. Collection method: clinical testing. Allele origin: germline. Affected: yes.
Comment: In silico analysis supports that this missense variant has a deleterious effect on protein structure/function; Has not been previously published as pathogenic or benign to our knowledge

Ambry Genetics
Classification: Uncertain significance for Inborn genetic diseases. Last evaluated: 2021-10-26. Review status: criteria provided, single submitter. Criteria: Ambry Variant Classification Scheme 2023. Collection method: clinical testing. Allele origin: germline.

Revvity Omics, Revvity
Classification: Uncertain significance. Last evaluated: 2019-12-11. Review status: criteria provided, single submitter. Criteria: ACMG Guidelines, 2015. Collection method: clinical testing. Allele origin: germline.

Athena Diagnostics
Classification: Uncertain significance. Last evaluated: 2016-11-08. Review status: criteria provided, single submitter. Criteria: Athena Diagnostics Criteria. Collection method: clinical testing. Allele origin: germline.